The following is an entry in ClinVar:

NM_005869.4(CWC27):c.1141C>T (p.Arg381Trp)

Gene: CWC27 (CWC27 spliceosome associated cyclophilin; plus strand). Cytogenetic location: 5q12.3.
Variant type: single nucleotide variant.
Coding change: c.1141C>T on transcript NM_005869.4 (MANE Select); coding-DNA position 1141, C replaced by T.
Protein change: p.Arg381Trp; replaces arginine 381 with tryptophan.
Molecular consequence: missense variant.
Genome position (GRCh38, 1-based): chr5:64,971,801, C>T. VCF-style: chr5-64971801-C-T. GRCh37 (hg19) VCF-style: chr5-64267628-C-T.
Other names: c.1141C>T, p.Arg381Trp (NM_001297644.1); short protein forms R381W.
Identifiers: ClinVar variation 1907897 (VCV001907897.4), dbSNP rs993330713, ClinGen allele CA120336718.

ClinVar aggregate classification (germline): Uncertain significance (1 of 4 stars; one submission).

Allele frequency attached by ClinVar (database versions not stated): gnomAD exomes 0.00001; gnomAD 0.00003; TOPMed 0.00004.
gnomAD v4.1: 20 of 1,606,498 alleles (0.0012%); highest among the groups gnomAD compares: Admixed American, 0.0084%; no homozygotes.

Submission:

Labcorp Genetics (formerly Invitae), Labcorp
Classification: Uncertain significance. Last evaluated: 2024-11-08. Review status: criteria provided, single submitter. Criteria: Invitae Variant Classification Sherloc (09022015). Collection method: clinical testing. Allele origin: germline.
Comment: This sequence change replaces arginine, which is basic and polar, with tryptophan, which is neutral and slightly polar, at codon 381 of the CWC27 protein (p.Arg381Trp). The frequency data for this variant in the population databases is considered unreliable, as metrics indicate poor data quality at this position in the gnomAD database. This variant has not been reported in the literature in individuals affected with CWC27-related conditions. ClinVar contains an entry for this variant (Variation ID: 1907897). An algorithm developed to predict the effect of missense changes on protein structure and function (PolyPhen-2) suggests that this variant is likely to be disruptive. In summary, the available evidence is currently insufficient to determine the role of this variant in disease. Therefore, it has been classified as a Variant of Uncertain Significance.